The following is an entry in ClinVar:

NM_033028.5(BBS4):c.1416G>A (p.Met472Ile)

Gene: BBS4 (Bardet-Biedl syndrome 4; plus strand). Cytogenetic location: 15q24.1.
Variant type: single nucleotide variant.
Coding change: c.1416G>A on transcript NM_033028.5 (MANE Select); coding-DNA position 1416, G replaced by A.
Protein change: p.Met472Ile; replaces methionine 472 with isoleucine.
Molecular consequence: missense variant. On other transcripts: non-coding transcript variant (2).
Genome position (GRCh38, 1-based): chr15:72,736,929, G>A. VCF-style: chr15-72736929-G-A. GRCh37 (hg19) VCF-style: chr15-73029270-G-A.
Other names: c.900G>A, p.Met300Ile (NM_001252678.2); c.1347G>A, p.Met449Ile (NM_001320665.2); short protein forms M300I, M449I, M472I.
Identifiers: ClinVar variation 4995777 (VCV004995777.1).

ClinVar aggregate classification (germline): Uncertain significance (1 of 4 stars; one submission).

Conditions:
BBS4-related disorder. Also called: BBS4-related condition.

Submission:

PreventionGenetics, part of Exact Sciences
Classification: Uncertain significance for BBS4-related condition. Last evaluated: 2026-02-06. Review status: criteria provided, single submitter. Criteria: ACMG Guidelines, 2015. Collection method: clinical testing. Allele origin: germline.
Comment: The BBS4 c.1416G>A variant is predicted to result in the amino acid substitution p.Met472Ile. To our knowledge, this variant has not been reported in the literature. This variant is reported in 0.00088% of alleles in individuals of European (non-Finnish) descent in gnomAD. At this time, the clinical significance of this variant is uncertain due to the absence of conclusive functional and genetic evidence.